The following is an entry in ClinVar:

ClinVar aggregate classification (germline): Uncertain significance (1 of 4 stars; one submission).

Conditions:
Developmental and epileptic encephalopathy, 8 (DEE8). Also called: HYPEREKPLEXIA AND EPILEPSY. Identifiers: Orphanet 163985, Orphanet 2076, MedGen C1845102, MONDO:0010375, OMIM 300607.

gnomAD v4.1: 3 of 1,208,011 alleles (0.00025%); highest among the groups gnomAD compares: South Asian, 0.0018%; no homozygotes.

Submission:

Labcorp Genetics (formerly Invitae), Labcorp
Classification: Uncertain significance for Developmental and epileptic encephalopathy, 8. Last evaluated: 2025-05-11. Review status: criteria provided, single submitter. Criteria: Invitae Variant Classification Sherloc (09022015). Collection method: clinical testing. Allele origin: germline.
Comment: This sequence change replaces glutamic acid, which is acidic and polar, with aspartic acid, which is acidic and polar, at codon 73 of the ARHGEF9 protein (p.Glu73Asp). This variant is not present in population databases (gnomAD no frequency). This variant has not been reported in the literature in individuals affected with ARHGEF9-related conditions. Invitae Evidence Modeling of protein sequence and biophysical properties (such as structural, functional, and spatial information, amino acid conservation, physicochemical variation, residue mobility, and thermodynamic stability) indicates that this missense variant is not expected to disrupt ARHGEF9 protein function with a negative predictive value of 95%. In summary, the available evidence is currently insufficient to determine the role of this variant in disease. Therefore, it has been classified as a Variant of Uncertain Significance.

NM_001353921.2(ARHGEF9):c.240G>C (p.Glu80Asp)

Gene: ARHGEF9 (Cdc42 guanine nucleotide exchange factor 9; minus strand). Cytogenetic location: Xq11.1.
Variant type: single nucleotide variant.
Coding change: c.240G>C on transcript NM_001353921.2 (MANE Select); coding-DNA position 240, G replaced by C.
Protein change: p.Glu80Asp; replaces glutamic acid 80 with aspartic acid.
Molecular consequence: missense variant. On other transcripts: 5 prime UTR variant (3).
Genome position (GRCh38, 1-based): chrX:63,706,420, C>G on the plus strand (G>C on the coding strand, the complement: ARHGEF9 is on the minus strand). VCF-style: chrX-63706420-C-G. GRCh37 (hg19) VCF-style: chrX-62926300-C-G.
Other names: c.60G>C, p.Glu20Asp (NM_001173479.2); c.-88G>C (NM_001173480.2, NM_001369042.1); c.156G>C, p.Glu52Asp (NM_001330495.2, NM_001353927.2, NM_001369033.1 and 8 more transcripts); c.240G>C, p.Glu80Asp (NM_001353922.2); c.258G>C, p.Glu86Asp (NM_001353923.1); c.39G>C, p.Glu13Asp (NM_001353924.2, NM_001353926.2, NM_001369039.1 and 1 more transcripts); c.219G>C, p.Glu73Asp (NM_001353928.2, NM_001369030.1, NM_001369031.1 and 2 more transcripts); c.-464G>C (NM_001369045.1); short protein forms E13D, E20D, E52D, E73D, E80D, E86D.
Identifiers: ClinVar variation 4807147 (VCV004807147.1).